The following is an entry in ClinVar:

NM_133642.5(LARGE1):c.1811del (p.Leu604fs)

Gene: LARGE1 (LARGE xylosyl- and glucuronyltransferase 1; minus strand). Cytogenetic location: 22q12.3.
Variant type: Deletion.
Coding change: c.1811del on transcript NM_133642.5 (MANE Select); coding-DNA position 1811, one base deleted (T; older notation c.1811delT).
Protein change: p.Leu604fs; shifts the reading frame from leucine 604.
Molecular consequence: frameshift variant. On other transcripts: intron variant (3).
Genome position (GRCh38, 1-based): chr22:33,283,268, A deleted on the plus strand (T on the coding strand, the reverse complement: LARGE1 is on the minus strand). VCF-style (leftmost placement, unchanged base first): chr22-33283267-CA-C. GRCh37 (hg19) VCF-style: chr22-33679253-CA-C.
Other names: c.1811del, p.Leu604fs (NM_001362949.2, NM_001362951.2, NM_001362953.2 and 4 more transcripts); c.1731-6013del (NM_001378627.1, NM_001378628.1); c.972-6013del (NM_001378631.1); c.1655del, p.Leu552fs (NM_001378629.1); c.1208del, p.Leu403fs (NM_001378630.1); short protein forms L552fs, L403fs, L604fs.
Identifiers: ClinVar variation 1451623 (VCV001451623.6), dbSNP rs2145893296, ClinGen allele CA2573158164.
Genomic context (GRCh38, chr22:33,283,267, plus strand): 5'-TGTGAAGAGGGTCCCCATGTCCAGCATTGACAGCAACTCCGCTTTTGACTTGGGGAAGGA[CA>C]GCCGGTAGCGCAGTGTCTCGAACGCGGGGACAATCATTGCTTTCTTGGTGTTGGCAAGAT-3'

ClinVar aggregate classification (germline): Pathogenic (1 of 4 stars; one submission).

Conditions:
Muscular dystrophy-dystroglycanopathy type B6 (MDDGB6). Also called: MUSCULAR DYSTROPHY-DYSTROGLYCANOPATHY (CONGENITAL WITH IMPAIRED INTELLECTUAL DEVELOPMENT), TYPE B, 6; MUSCULAR DYSTROPHY, CONGENITAL, LARGE-RELATED; MUSCULAR DYSTROPHY, CONGENITAL, TYPE 1D. Identifiers: MedGen C1837229, MONDO:0012138, OMIM 608840.

Submission:

Labcorp Genetics (formerly Invitae), Labcorp
Classification: Pathogenic for Muscular dystrophy-dystroglycanopathy type B6. Last evaluated: 2022-02-25. Review status: criteria provided, single submitter. Criteria: Invitae Variant Classification Sherloc (09022015). Collection method: clinical testing. Allele origin: germline.
Comment: This sequence change creates a premature translational stop signal (p.Leu604Argfs*60) in the LARGE1 gene. It is expected to result in an absent or disrupted protein product. Loss-of-function variants in LARGE1 are known to be pathogenic (PMID: 12966029, 17878207). For these reasons, this variant has been classified as Pathogenic. This variant has not been reported in the literature in individuals affected with LARGE1-related conditions. This variant is not present in population databases (gnomAD no frequency).

Literature cited by the submitters: PubMed 12966029; PubMed 17878207.